The following is an entry in ClinVar:

ClinVar aggregate classification (germline): Uncertain significance. Review status: criteria provided, multiple submitters, no conflicts (2 of 4 stars). 2 submissions from 2 submitters: Uncertain significance (2). Last evaluated 2024-05-10.

Conditions:
Charcot-Marie-Tooth disease type 2. Also called: Charcot-Marie-Tooth type 2. Identifiers: Orphanet 64746, MedGen C0270914, MONDO:0018993.

Allele frequency attached by ClinVar (database versions not stated): ExAC 0.00001.
gnomAD v4.1: 1 of 1,614,174 alleles (0.000062%); highest among the groups gnomAD compares: East Asian, 0.0022%; no homozygotes.

Submissions (2):

Ambry Genetics
Classification: Uncertain significance. Last evaluated: 2024-05-10. Review status: criteria provided, single submitter. Criteria: Ambry Variant Classification Scheme 2023. Collection method: clinical testing. Allele origin: germline.
Comment: The p.K709N variant (also known as c.2127G>C), located in coding exon 21 of the KIF1B gene, results from a G to C substitution at nucleotide position 2127. The lysine at codon 709 is replaced by asparagine, an amino acid with similar properties. This amino acid position is conserved. In addition, this alteration is predicted to be tolerated by in silico analysis. Based on the available evidence, the clinical significance of this variant remains unclear.

Labcorp Genetics (formerly Invitae), Labcorp
Classification: Uncertain significance for Charcot-Marie-Tooth disease type 2. Last evaluated: 2023-04-14. Review status: criteria provided, single submitter. Criteria: Invitae Variant Classification Sherloc (09022015). Collection method: clinical testing. Allele origin: germline.
Comment: This sequence change replaces lysine, which is basic and polar, with asparagine, which is neutral and polar, at codon 709 of the KIF1B protein (p.Lys709Asn). This variant is present in population databases (rs757435187, gnomAD 0.006%). This variant has not been reported in the literature in individuals affected with KIF1B-related conditions. Advanced modeling of protein sequence and biophysical properties (such as structural, functional, and spatial information, amino acid conservation, physicochemical variation, residue mobility, and thermodynamic stability) performed at Invitae indicates that this missense variant is not expected to disrupt KIF1B protein function. In summary, the available evidence is currently insufficient to determine the role of this variant in disease. Therefore, it has been classified as a Variant of Uncertain Significance.

NM_001365951.3(KIF1B):c.2265G>C (p.Lys755Asn)

Gene: KIF1B (kinesin family member 1B; plus strand). Cytogenetic location: 1p36.22.
Variant type: single nucleotide variant.
Coding change: c.2265G>C on transcript NM_001365951.3 (MANE Select); coding-DNA position 2265, G replaced by C.
Protein change: p.Lys755Asn; replaces lysine 755 with asparagine.
Molecular consequence: missense variant.
Genome position (GRCh38, 1-based): chr1:10,321,764, G>C. VCF-style: chr1-10321764-G-C. GRCh37 (hg19) VCF-style: chr1-10381822-G-C.
Other names: c.2265G>C, p.Lys755Asn (NM_001365952.1); c.2127G>C, p.Lys709Asn (NM_015074.3); short protein forms K755N, K709N.
Identifiers: ClinVar variation 2984450 (VCV002984450.4), dbSNP rs757435187, ClinGen allele CA581492.